The following is an entry in ClinVar:

NM_000059.4(BRCA2):c.8035G>T (p.Asp2679Tyr)

Gene: BRCA2 (BRCA2 DNA repair associated; plus strand). Cytogenetic location: 13q13.1.
Variant type: single nucleotide variant.
Coding change: c.8035G>T on transcript NM_000059.4 (MANE Select); coding-DNA position 8035, G replaced by T.
Protein change: p.Asp2679Tyr; replaces aspartic acid 2679 with tyrosine.
Molecular consequence: missense variant.
Genome position (GRCh38, 1-based): chr13:32,363,237, G>T. VCF-style: chr13-32363237-G-T. GRCh37 (hg19) VCF-style: chr13-32937374-G-T.
Other names: short protein forms D2679Y.
Identifiers: ClinVar variation 52480 (VCV000052480.15), dbSNP rs80359040, ClinGen allele CA025416.
Genomic context (GRCh38, chr13:32,363,237, plus strand): 5'-AGATATGATACGGAAATTGATAGAAGCAGAAGATCGGCTATAAAAAAGATAATGGAAAGG[G>T]ATGACACAGCTGCAAAAACACTTGTTCTCTGTGTTTCTGACATAATTTCATTGAGCGCAA-3'
Protein context (NP_000050.3, residues 2669-2689): RSAIKKIMER[Asp2679Tyr]DTAAKTLVLC

ClinVar aggregate classification (germline): Uncertain significance. Review status: criteria provided, multiple submitters, no conflicts (2 of 4 stars). 5 submissions from 5 submitters: Uncertain significance (2). 3 of the submissions do not count toward it. Last evaluated 2018-07-02.

Conditions:
Hereditary breast ovarian cancer syndrome. Also called: Hereditary breast and ovarian cancer syndrome; Hereditary breast and ovarian cancer; Hereditary breast and ovarian cancer syndrome (HBOC); Breast and ovarian cancer; Hereditary breast and/or ovarian cancer syndrome; BRCA1- and BRCA2-Associated Hereditary Breast and Ovarian Cancer. Identifiers: Orphanet 145, MedGen C0677776, MeSH D061325, MONDO:0003582. Disease mechanism: loss of function.
Breast-ovarian cancer, familial, susceptibility to, 2 (BROVCA2). Also called: BRCA2 Hereditary Breast and Ovarian Cancer. Identifiers: Orphanet 145, MedGen C2675520, MONDO:0012933, OMIM 612555. Disease mechanism: loss of function.

Submissions (5):

Mendelics
Classification: Uncertain significance for Hereditary breast and ovarian cancer syndrome. Last evaluated: 2018-07-02. Review status: criteria provided, single submitter. Criteria: Mendelics Assertion Criteria 2017. Collection method: clinical testing. Allele origin: unknown.

Labcorp Genetics (formerly Invitae), Labcorp
Classification: Uncertain significance for Hereditary breast ovarian cancer syndrome. Last evaluated: 2018-04-15. Review status: criteria provided, single submitter. Criteria: Invitae Variant Classification Sherloc (09022015). Collection method: clinical testing. Allele origin: germline.
Comment: In summary, the available evidence is currently insufficient to determine the role of this variant in disease. Therefore, it has been classified as a Variant of Uncertain Significance. Experimental studies have shown that this missense change leads to aberrant mRNA splicing (PMID: 28339459, 20215541, 23108138). This variant has been reported in individuals in the Leiden Open-source Variation Database (PMID: 21520333) and Breast Cancer Information Core database (PMID: 10923033). ClinVar contains an entry for this variant (Variation ID: 52480). This variant is not present in population databases (ExAC no frequency). This sequence change replaces aspartic acid with tyrosine at codon 2679 of the BRCA2 protein (p.Asp2679Tyr). The aspartic acid residue is highly conserved and there is a large physicochemical difference between aspartic acid and tyrosine.

Breast Cancer Information Core (BIC) (BRCA2)
Classification: Uncertain significance for Breast-ovarian cancer, familial 2. Last evaluated: 2002-06-20. Review status: no assertion criteria provided. Collection method: clinical testing. Allele origin: germline. Affected: yes. Observed: 1 variant allele. Not counted in ClinVar's aggregate classification.

Clinical Genetics Laboratory, Department of Pathology, Netherlands Cancer Institute
Classification: Likely pathogenic. Review status: no assertion criteria provided. Collection method: clinical testing. Allele origin: germline. Affected: yes. Study: VKGL Data-share Consensus. Not counted in ClinVar's aggregate classification.

Joint Genome Diagnostic Labs from Nijmegen and Maastricht, Radboudumc and MUMC+
Classification: Pathogenic. Review status: no assertion criteria provided. Collection method: clinical testing. Allele origin: germline. Affected: yes. Study: VKGL Data-share Consensus. Not counted in ClinVar's aggregate classification.

Literature cited by the submitters: PubMed 28339459 (cited by Labcorp Genetics (formerly Invitae), Labcorp); PubMed 20215541 (cited by Labcorp Genetics (formerly Invitae), Labcorp); PubMed 23108138 (cited by Labcorp Genetics (formerly Invitae), Labcorp); PubMed 21520333 (cited by Labcorp Genetics (formerly Invitae), Labcorp); PubMed 10923033 (cited by Labcorp Genetics (formerly Invitae), Labcorp).